The following is an entry in ClinVar:

ClinVar aggregate classification (germline): Benign (3 of 4 stars; one submission).

Conditions:
Breast-ovarian cancer, familial, susceptibility to, 1 (BROVCA1). Also called: OVARIAN CANCER, SUSCEPTIBILITY TO; BRCA1 Hereditary Breast and Ovarian Cancer. Identifiers: Orphanet 145, MedGen C2676676, MONDO:0011450, OMIM 604370. Disease mechanism: loss of function.

Allele frequency attached by ClinVar (database versions not stated): gnomAD 0.30309 and 0.31031; 1000 Genomes Project 30x 0.33463; TOPMed 0.29149; 1000 Genomes Project 0.34225.

Submission:

Evidence-based Network for the Interpretation of Germline Mutant Alleles (ENIGMA)
Classification: Benign for Breast-ovarian cancer, familial 1. Last evaluated: 2015-01-12. Review status: reviewed by expert panel. Criteria: ENIGMA BRCA1/2 Classification Criteria (2015). Collection method: curation. Allele origin: germline.
Comment: Class 1 not pathogenic based on frequency >1% in an outbred sampleset. Frequency 0.33 (Asian), 0.22 (African), 0.36 (European), derived from 1000 genomes (2012-04-30).

NM_007294.3(BRCA1):c.*1922T>C

Gene: BRCA1 (BRCA1 DNA repair associated; minus strand). Cytogenetic location: 17q21.31.
Variant type: single nucleotide variant.
Coding change: c.*1922T>C on transcript NM_007294.3; 1922 bases downstream of the stop codon, T replaced by C.
Genome position (GRCh38, 1-based): chr17:43,043,756, A>G on the plus strand (T>C on the coding strand, the complement: BRCA1 is on the minus strand). VCF-style: chr17-43043756-A-G. GRCh37 (hg19) VCF-style: chr17-41195773-A-G.
Other names: 7633 T>C.
Identifiers: ClinVar variation 209231 (VCV000209231.3), dbSNP rs8176322, ClinGen allele CA276207.